The following is an entry in ClinVar:

ClinVar aggregate classification (germline): Uncertain significance (1 of 4 stars; one submission).

Submission:

GeneDx
Classification: Uncertain significance. Last evaluated: 2026-03-12. Review status: criteria provided, single submitter. Criteria: GeneDx Variant Classification Process June 2021. Collection method: clinical testing. Allele origin: germline.
Comment: Not observed at significant frequency in large population cohorts (gnomAD); In silico analysis suggests that this missense variant does not alter protein structure/function; Has not been previously published as pathogenic or benign to our knowledge

NM_015001.3(SPEN):c.8599C>T (p.Pro2867Ser)

Gene: SPEN (spen family transcriptional repressor; plus strand). Cytogenetic location: 1p36.13.
Variant type: single nucleotide variant.
Coding change: c.8599C>T on transcript NM_015001.3 (MANE Select); coding-DNA position 8599, C replaced by T.
Protein change: p.Pro2867Ser; replaces proline 2867 with serine.
Molecular consequence: missense variant.
Genome position (GRCh38, 1-based): chr1:15,934,839, C>T. VCF-style: chr1-15934839-C-T. GRCh37 (hg19) VCF-style: chr1-16261334-C-T.
Other names: short protein forms P2867S.
Identifiers: ClinVar variation 5009087 (VCV005009087.1).